The following is an entry in ClinVar:

ClinVar aggregate classification (germline): Likely benign (1 of 4 stars; one submission).

Allele frequency attached by ClinVar (database versions not stated): TOPMed below 0.00001.
gnomAD v4.1: 5 of 1,535,992 alleles (0.00033%); highest among the groups gnomAD compares: African/African-American, 0.0014%; no homozygotes.

Submission:

CeGaT Center for Human Genetics Tuebingen
Classification: Likely benign. Last evaluated: 2022-05-01. Review status: criteria provided, single submitter. Criteria: CeGaT Center For Human Genetics Tuebingen Variant Classification Criteria Version 2. Collection method: clinical testing. Allele origin: germline. Affected: yes. Observed: 1 variant allele.
Comment: GFY: BP4, BP7

NM_001195256.2(GFY):c.160C>A (p.Arg54=)

Gene: GFY (golgi associated olfactory signaling regulator; plus strand). Cytogenetic location: 19q13.33.
Variant type: single nucleotide variant.
Coding change: c.160C>A on transcript NM_001195256.2 (MANE Select); coding-DNA position 160, C replaced by A.
Protein change: p.Arg54=; no amino-acid change (arginine 54 retained).
Molecular consequence: synonymous variant.
Genome position (GRCh38, 1-based): chr19:49,426,590, C>A. VCF-style: chr19-49426590-C-A. GRCh37 (hg19) VCF-style: chr19-49929847-C-A.
Other names: c.160C>A, p.Arg54= (NM_001385187.1).
Identifiers: ClinVar variation 2650240 (VCV002650240.24), dbSNP rs1268986957, ClinGen allele CA508285237.
Genomic context (GRCh38, chr19:49,426,590, plus strand): 5'-CCGGACATGGCCCACCCCTCTGAGACTTCCCCTCTGAAGGGTGCTTCTGAAAATTCCAAA[C>A]GAGATCGCCTTAACCCAGAATTTCCTGGGACTCCTTACCCTGAGCCTTCCAAGCTACCTC-3'
Protein context (NP_001182185.1, residues 44-64): PLKGASENSK[Arg54=]DRLNPEFPGT